The following is an entry in ClinVar:

NM_022455.5(NSD1):c.3958C>T (p.Arg1320Ter)

Gene: NSD1 (nuclear receptor binding SET domain protein 1; plus strand). Cytogenetic location: 5q35.3.
Variant type: single nucleotide variant.
Coding change: c.3958C>T on transcript NM_022455.5 (MANE Select); coding-DNA position 3958, C replaced by T.
Protein change: p.Arg1320Ter; replaces arginine 1320 with a stop codon.
Molecular consequence: nonsense.
Genome position (GRCh38, 1-based): chr5:177,238,273, C>T. VCF-style: chr5-177238273-C-T. GRCh37 (hg19) VCF-style: chr5-176665274-C-T.
Other names: c.3085C>T, p.Arg1029Ter (NM_001365684.2, NM_001409306.1, NM_001409307.1 and 3 more transcripts); c.3958C>T, p.Arg1320Ter (NM_001409301.1, NM_001409302.1, NM_001409303.1); c.3538C>T, p.Arg1180Ter (NM_001409304.1); c.3205C>T, p.Arg1069Ter (NM_001409305.1); short protein forms R1320*, R1051*, R1069*, R1029*, R1180*.
Identifiers: ClinVar variation 4143 (VCV000004143.20), dbSNP rs121908070, ClinGen allele CA281545.

ClinVar aggregate classification (germline): Pathogenic. Review status: criteria provided, multiple submitters, no conflicts (2 of 4 stars). 9 submissions from 9 submitters: Pathogenic (8). 1 of the submissions does not count toward it. Last evaluated 2026-04-13.

Conditions:
NSD1-related disorder. Also called: NSD1-related condition.
Sotos syndrome (SOTOS). Also called: CHROMOSOME 5q35 DELETION SYNDROME; CEREBRAL GIGANTISM; Sotos' syndrome; Distinctive facial appearance, overgrowth in childhood, and learning disabilities or delayed development; SOTOS SYNDROME 1. Identifiers: Orphanet 821, MedGen C0175695, MONDO:0019349, OMIM 117550.

Submissions (9):

Institute of Human Genetics, University of Leipzig Medical Center
Classification: Pathogenic for Sotos syndrome. Last evaluated: 2026-04-13. Review status: criteria provided, single submitter. Criteria: ACMG Guidelines, 2015. Collection method: clinical testing. Allele origin: unknown. Inheritance: Autosomal dominant inheritance. Affected: yes.
Comment: Criteria applied: PVS1,PS4_MOD,PM2

Labcorp Genetics (formerly Invitae), Labcorp
Classification: Pathogenic. Last evaluated: 2024-12-17. Review status: criteria provided, single submitter. Criteria: Invitae Variant Classification Sherloc (09022015). Collection method: clinical testing. Allele origin: germline.
Comment: This sequence change creates a premature translational stop signal (p.Arg1320*) in the NSD1 gene. It is expected to result in an absent or disrupted protein product. Loss-of-function variants in NSD1 are known to be pathogenic (PMID: 12464997, 14571271, 15942875, 16247291). This variant is not present in population databases (gnomAD no frequency). This premature translational stop signal has been observed in individual(s) with clinical features of Sotos syndrome (PMID: 12676901, 29276005). ClinVar contains an entry for this variant (Variation ID: 4143). For these reasons, this variant has been classified as Pathogenic.

Women's Health and Genetics/Laboratory Corporation of America, LabCorp
Classification: Pathogenic. Last evaluated: 2023-03-07. Review status: criteria provided, single submitter. Criteria: LabCorp Variant Classification Summary - May 2015. Collection method: clinical testing. Allele origin: germline.
Comment: Variant summary: NSD1 c.3958C>T (p.Arg1320X) results in a premature termination codon, predicted to cause a truncation of the encoded protein or absence of the protein due to nonsense mediated decay, which are commonly known mechanisms for disease. The variant was absent in 251350 control chromosomes (gnomAD). c.3958C>T has been reported in the literature in individuals affected with Sotos Syndrome, including at least one case where it was confirmed to be de novo (e.g. Nagai_2003, Saugier-Veber_2007, Faundes_2018, Squeo_2020). These data indicate that the variant is likely to be associated with disease. To our knowledge, no experimental evidence demonstrating an impact on protein function has been reported. Four submitters have provided clinical-significance assessments for this variant to ClinVar after 2014 and all classified the variant as pathogenic. Based on the evidence outlined above, the variant was classified as pathogenic.

Institute for Clinical Genetics, University Hospital TU Dresden, University Hospital TU Dresden
Classification: Pathogenic. Last evaluated: 2021-11-03. Review status: criteria provided, single submitter. Criteria: ACMG Guidelines, 2015. Collection method: clinical testing. Allele origin: germline.

Genome-Nilou Lab
Classification: Pathogenic for Sotos syndrome. Last evaluated: 2021-07-15. Review status: criteria provided, single submitter. Criteria: ACMG Guidelines, 2015. Collection method: clinical testing. Allele origin: germline. Affected: no.

Blueprint Genetics
Classification: Pathogenic for NSD1-related disorders. Last evaluated: 2020-10-08. Review status: criteria provided, single submitter. Criteria: ACMG Guidelines, 2015. Collection method: clinical testing. Allele origin: germline. Affected: yes. Observed: 2 variant alleles.

GeneDx
Classification: Pathogenic. Last evaluated: 2017-02-16. Review status: criteria provided, single submitter. Criteria: GeneDx Variant Classification (06012015). Collection method: clinical testing. Allele origin: germline. Affected: yes.
Comment: The R1320X nonsense variant in the NSD1 gene has been reported previously in association with Sotos syndrome (Nagai et al., 2003; Tatton-Brown et al., 2005). This pathogenic variant is predicted to cause loss of normal protein function either through protein truncation or nonsense-mediated mRNA decay. Additionally, the R1320X variant is not observed in large population cohorts (Lek et al., 2016; 1000 Genomes Consortium et al., 2015; Exome Variant Server).

Genetic Services Laboratory, University of Chicago
Classification: Pathogenic for Sotos syndrome 1. Last evaluated: 2013-02-08. Review status: criteria provided, single submitter. Criteria: ACMG Guidelines, 2007. Collection method: clinical testing. Allele origin: germline. Inheritance: Autosomal dominant inheritance. Affected: yes.

OMIM
Classification: Pathogenic for SOTOS SYNDROME. Last evaluated: 2003-04-01. Review status: no assertion criteria provided. Collection method: literature only. Allele origin: germline. Not counted in ClinVar's aggregate classification.

Literature cited by the submitters: PubMed 12464997 (cited by Labcorp Genetics (formerly Invitae), Labcorp); PubMed 14571271 (cited by Labcorp Genetics (formerly Invitae), Labcorp); PubMed 15942875 (cited by Labcorp Genetics (formerly Invitae), Labcorp); PubMed 16247291 (cited by Labcorp Genetics (formerly Invitae), Labcorp); PubMed 12676901 (cited by 3 submitters); PubMed 29276005 (cited by Labcorp Genetics (formerly Invitae), Labcorp and Women's Health and Genetics/Laboratory Corporation of America, LabCorp); PubMed 17565729 (cited by Women's Health and Genetics/Laboratory Corporation of America, LabCorp); PubMed 32170002 (cited by Women's Health and Genetics/Laboratory Corporation of America, LabCorp).